The following is an entry in ClinVar:

NM_006766.5(KAT6A):c.659G>T (p.Arg220Leu)

Gene: KAT6A (lysine acetyltransferase 6A; minus strand). Cytogenetic location: 8p11.21.
Variant type: single nucleotide variant.
Coding change: c.659G>T on transcript NM_006766.5 (MANE Select); coding-DNA position 659, G replaced by T.
Protein change: p.Arg220Leu; replaces arginine 220 with leucine.
Molecular consequence: missense variant.
Genome position (GRCh38, 1-based): chr8:41,987,505, C>A on the plus strand (G>T on the coding strand, the complement: KAT6A is on the minus strand). VCF-style: chr8-41987505-C-A. GRCh37 (hg19) VCF-style: chr8-41845023-C-A.
Other names: c.659G>T, p.Arg220Leu (NM_001305878.2); short protein forms R220L.
Identifiers: ClinVar variation 1718553 (VCV001718553.5), dbSNP rs1171242735, ClinGen allele CA371174183.
Genomic context (GRCh38, chr8:41,987,505, plus strand): 5'-AATCACATACCACTGTTGCCACAGTCGGCACAGGAGATGAGTTCCTCTGGCTTCTTTTCT[C>A]GGTTTTGTTCTTTTGTACCAAGACAGAAACTACAGATGGGGATTGGTTCAGCAACCGGCT-3'
Protein context (NP_006757.2, residues 210-230): SFCLGTKEQN[Arg220Leu]EKKPEELISC

ClinVar aggregate classification (germline): Uncertain significance (1 of 4 stars; one submission).

Submission:

Labcorp Genetics (formerly Invitae), Labcorp
Classification: Uncertain significance. Last evaluated: 2022-09-30. Review status: criteria provided, single submitter. Criteria: Invitae Variant Classification Sherloc (09022015). Collection method: clinical testing. Allele origin: germline.
Comment: This sequence change replaces arginine, which is basic and polar, with leucine, which is neutral and non-polar, at codon 220 of the KAT6A protein (p.Arg220Leu). In summary, the available evidence is currently insufficient to determine the role of this variant in disease. Therefore, it has been classified as a Variant of Uncertain Significance. Advanced modeling of protein sequence and biophysical properties (such as structural, functional, and spatial information, amino acid conservation, physicochemical variation, residue mobility, and thermodynamic stability) performed at Invitae indicates that this missense variant is not expected to disrupt KAT6A protein function. This variant has not been reported in the literature in individuals affected with KAT6A-related conditions. This variant is not present in population databases (gnomAD no frequency).